The following is an entry in ClinVar:

ClinVar aggregate classification (germline): Likely pathogenic (1 of 4 stars; one submission).

Submissions (2):

Labcorp Genetics (formerly Invitae), Labcorp
Classification: Likely pathogenic. Last evaluated: 2022-06-19. Review status: criteria provided, single submitter. Criteria: Invitae Variant Classification Sherloc (09022015). Collection method: clinical testing. Allele origin: germline.
Comment: In summary, the currently available evidence indicates that the variant is pathogenic, but additional data are needed to prove that conclusively. Therefore, this variant has been classified as Likely Pathogenic. Algorithms developed to predict the effect of sequence changes on RNA splicing suggest that this variant may disrupt the consensus splice site. This variant has not been reported in the literature in individuals affected with COL13A1-related conditions. This variant is not present in population databases (gnomAD no frequency). This sequence change affects an acceptor splice site in intron 22 of the COL13A1 gene. It is expected to disrupt RNA splicing. Variants that disrupt the donor or acceptor splice site typically lead to a loss of protein function (PMID: 16199547), and loss-of-function variants in COL13A1 are known to be pathogenic (PMID: 26626625).

Dr. Peter K. Rogan Lab, Western University
No classification provided (evidence only). Condition: Thyroid cancer, nonmedullary, 1. Review status: no classification provided. Collection method: in vitro. Allele origin: not applicable. Functional consequence: skipped exon, retained intron. Not counted in ClinVar's aggregate classification.

Literature cited by the submitters: PubMed 16199547 (cited by Labcorp Genetics (formerly Invitae), Labcorp); PubMed 26626625 (cited by Labcorp Genetics (formerly Invitae), Labcorp).

NM_001368882.1(COL13A1):c.1231-1G>A

Gene: COL13A1 (collagen type XIII alpha 1 chain; plus strand). Cytogenetic location: 10q22.1.
Variant type: single nucleotide variant.
Coding change: c.1231-1G>A on transcript NM_001368882.1 (MANE Select); the canonical splice acceptor site of the intron before coding-DNA position 1231, G replaced by A.
Molecular consequence: splice acceptor variant.
Genome position (GRCh38, 1-based): chr10:69,923,801, G>A. VCF-style: chr10-69923801-G-A. GRCh37 (hg19) VCF-style: chr10-71683557-G-A.
Other names: c.1168-1G>A (NM_001320951.2, NM_001368884.1); c.1198-1G>A (NM_001130103.2); c.1132-1G>A (NM_080801.4, NM_080802.4, NM_001368885.1); c.1141-1G>A (NM_080800.4, NM_001368895.1); c.568-1G>A (NM_001368886.1); c.1195-1G>A (NM_001368883.1); c.1045-1G>A (NM_080805.4); c.1054-1G>A (NM_001368897.1); and 1 more.
Identifiers: ClinVar variation 1959257 (VCV001959257.6), dbSNP rs894208635, ClinGen allele CA209270435.